The following is an entry in ClinVar:

NM_006766.5(KAT6A):c.4720G>A (p.Gly1574Ser)

Gene: KAT6A (lysine acetyltransferase 6A; minus strand). Cytogenetic location: 8p11.21.
Variant type: single nucleotide variant.
Coding change: c.4720G>A on transcript NM_006766.5 (MANE Select); coding-DNA position 4720, G replaced by A.
Protein change: p.Gly1574Ser; replaces glycine 1574 with serine.
Molecular consequence: missense variant.
Genome position (GRCh38, 1-based): chr8:41,933,500, C>T on the plus strand (G>A on the coding strand, the complement: KAT6A is on the minus strand). VCF-style: chr8-41933500-C-T. GRCh37 (hg19) VCF-style: chr8-41791018-C-T.
Other names: c.4720G>A (NM_006766.3); short protein forms G1574S.
Identifiers: ClinVar variation 2804276 (VCV002804276.4), dbSNP rs1417273917, ClinGen allele CA371064793.

ClinVar aggregate classification (germline): Uncertain significance. Review status: criteria provided, multiple submitters, no conflicts (2 of 4 stars). 2 submissions from 2 submitters: Uncertain significance (2). Last evaluated 2025-10-29.

Conditions:
Inborn genetic diseases. Identifiers: MedGen C0950123, MeSH D030342.

Allele frequency attached by ClinVar (database versions not stated): gnomAD exomes 0.00001.
gnomAD v4.1: 7 of 1,613,806 alleles (0.00043%); highest among the groups gnomAD compares: Non-Finnish European, 0.00059%; no homozygotes.

Submissions (2):

Ambry Genetics
Classification: Uncertain significance for Inborn genetic diseases. Last evaluated: 2025-10-29. Review status: criteria provided, single submitter. Criteria: Ambry Variant Classification Scheme 2023. Collection method: clinical testing. Allele origin: germline.

Labcorp Genetics (formerly Invitae), Labcorp
Classification: Uncertain significance. Last evaluated: 2023-12-06. Review status: criteria provided, single submitter. Criteria: Invitae Variant Classification Sherloc (09022015). Collection method: clinical testing. Allele origin: germline.
Comment: This sequence change replaces glycine, which is neutral and non-polar, with serine, which is neutral and polar, at codon 1574 of the KAT6A protein (p.Gly1574Ser). This variant is present in population databases (no rsID available, gnomAD 0.0009%). This variant has not been reported in the literature in individuals affected with KAT6A-related conditions. Experimental studies and prediction algorithms are not available or were not evaluated, and the functional significance of this variant is currently unknown. In summary, the available evidence is currently insufficient to determine the role of this variant in disease. Therefore, it has been classified as a Variant of Uncertain Significance.